The following is an entry in ClinVar:

ClinVar aggregate classification (germline): Likely pathogenic (1 of 4 stars; one submission).

Submission:

GeneDx
Classification: Likely pathogenic. Last evaluated: 2024-05-30. Review status: criteria provided, single submitter. Criteria: GeneDx Variant Classification Process June 2021. Collection method: clinical testing. Allele origin: germline. Affected: yes.
Comment: Frameshift variant predicted to result in protein truncation or nonsense mediated decay in a gene for which loss of function is a known mechanism of disease; Not observed at significant frequency in large population cohorts (gnomAD); Has not been previously published as pathogenic or benign to our knowledge; This variant is associated with the following publications: (PMID: 36645289)

NM_015355.4(SUZ12):c.1244_1248del (p.Glu415fs)

Gene: SUZ12 (SUZ12 polycomb repressive complex 2 subunit; plus strand). Cytogenetic location: 17q11.2.
Variant type: Microsatellite.
Coding change: c.1244_1248del on transcript NM_015355.4 (MANE Select); coding-DNA positions 1244 to 1248, 5 bases deleted (AAAAG; older notation c.1244_1248delAAAAG).
Protein change: p.Glu415fs; shifts the reading frame from glutamic acid 415.
Molecular consequence: frameshift variant.
Genome position (GRCh38, 1-based): chr17:31,993,284-31,993,288, AAAAG deleted; deleting any 5 consecutive bases within chr17:31,993,276-31,993,288 gives the same sequence; the c. name uses the placement nearest the transcript's 3' end. VCF-style (leftmost placement, unchanged base first): chr17-31993275-CAAGAA-C. GRCh37 (hg19) VCF-style: chr17-30320294-CAAGAA-C.
Other names: c.1175_1179del, p.Glu392fs (NM_001321207.2); short protein forms E392fs, E415fs.
Identifiers: ClinVar variation 1309586 (VCV001309586.4), dbSNP rs2142213971, ClinGen allele CA2580614105.
Genomic context (GRCh38, chr17:31,993,275, plus strand): 5'-ATTGAATATAAAAGTGTATGTTTTCAGCTGTTAAAGAATCATTGACTACAGATCTACAAA[CAAGAA>C]AAGAAAAGGATACTCCAAATGAAAACCGACAAAAATTAAGAATATTTTATCAGGTAAACA-3'